The following is an entry in ClinVar:

NM_001256071.3(RNF213):c.6247A>T (p.Asn2083Tyr)

Gene: RNF213 (ring finger protein 213; plus strand). Cytogenetic location: 17q25.3.
Variant type: single nucleotide variant.
Coding change: c.6247A>T on transcript NM_001256071.3 (MANE Select); coding-DNA position 6247, A replaced by T.
Protein change: p.Asn2083Tyr; replaces asparagine 2083 with tyrosine.
Molecular consequence: missense variant.
Genome position (GRCh38, 1-based): chr17:80,343,920, A>T. VCF-style: chr17-80343920-A-T. GRCh37 (hg19) VCF-style: chr17-78317720-A-T.
Other names: c.6394A>T, p.Asn2132Tyr (NM_001410195.1, NM_020914.5); short protein forms N2083Y, N2132Y.
Identifiers: ClinVar variation 1964344 (VCV001964344.5), dbSNP rs745676999, ClinGen allele CA401392458.
Genomic context (GRCh38, chr17:80,343,920, plus strand): 5'-CAGACTGGAATTTGGGTGTTTCTTTTCAAGCTCCTCATTTTACAATACTTAATGGATATA[A>T]ATGGGAAAATGTGGCTTCGGAACCCCTGCCATTTGTATATCGTTGAAATCCTGGAAAGGA-3'
Protein context (NP_001243000.2, residues 2073-2093): LLILQYLMDI[Asn2083Tyr]GKMWLRNPCH

ClinVar aggregate classification (germline): Uncertain significance (1 of 4 stars; one submission).

Submission:

Labcorp Genetics (formerly Invitae), Labcorp
Classification: Uncertain significance. Last evaluated: 2022-07-11. Review status: criteria provided, single submitter. Criteria: Invitae Variant Classification Sherloc (09022015). Collection method: clinical testing. Allele origin: germline.
Comment: In summary, the available evidence is currently insufficient to determine the role of this variant in disease. Therefore, it has been classified as a Variant of Uncertain Significance. Algorithms developed to predict the effect of missense changes on protein structure and function are either unavailable or do not agree on the potential impact of this missense change (SIFT: "Deleterious"; PolyPhen-2: "Probably Damaging"; Align-GVGD: "Class C0"). This variant has not been reported in the literature in individuals affected with RNF213-related conditions. This variant is not present in population databases (gnomAD no frequency). This sequence change replaces asparagine, which is neutral and polar, with tyrosine, which is neutral and polar, at codon 2083 of the RNF213 protein (p.Asn2083Tyr).